The following is an entry in ClinVar:

NM_016122.3(CEP83):c.501A>C (p.Glu167Asp)

Gene: CEP83 (centrosomal protein 83; minus strand). Cytogenetic location: 12q22.
Variant type: single nucleotide variant.
Coding change: c.501A>C on transcript NM_016122.3 (MANE Select); coding-DNA position 501, A replaced by C.
Protein change: p.Glu167Asp; replaces glutamic acid 167 with aspartic acid.
Molecular consequence: missense variant. On other transcripts: non-coding transcript variant (3), intron variant (2).
Genome position (GRCh38, 1-based): chr12:94,400,898, T>G on the plus strand (A>C on the coding strand, the complement: CEP83 is on the minus strand). VCF-style: chr12-94400898-T-G. GRCh37 (hg19) VCF-style: chr12-94794674-T-G.
Other names: c.501A>C, p.Glu167Asp (NM_001042399.2, NM_001346457.2, NM_001346460.2 and 3 more transcripts); c.189A>C, p.Glu63Asp (NM_001346458.2, NM_001346459.2, NM_001346462.2 and 2 more transcripts); c.324+10799A>C (NM_001368041.1); c.12+10799A>C (NM_001368042.1); short protein forms E63D, E167D.
Identifiers: ClinVar variation 3677154 (VCV003677154.2).

ClinVar aggregate classification (germline): Uncertain significance (1 of 4 stars; one submission).

Conditions:
Nephronophthisis 18 (NPHP18). Identifiers: Orphanet 655, MedGen C3890591, MONDO:0014374, OMIM 615862.

gnomAD v4.1: 9 of 1,514,456 alleles (0.00059%); highest among the groups gnomAD compares: Non-Finnish European, 0.00071%; no homozygotes.

Submission:

Labcorp Genetics (formerly Invitae), Labcorp
Classification: Uncertain significance for Nephronophthisis 18. Last evaluated: 2024-12-05. Review status: criteria provided, single submitter. Criteria: Invitae Variant Classification Sherloc (09022015). Collection method: clinical testing. Allele origin: germline.
Comment: This sequence change replaces glutamic acid, which is acidic and polar, with aspartic acid, which is acidic and polar, at codon 167 of the CEP83 protein (p.Glu167Asp). This variant is present in population databases (rs758692686, gnomAD 0.001%). This variant has not been reported in the literature in individuals affected with CEP83-related conditions. Invitae Evidence Modeling of protein sequence and biophysical properties (such as structural, functional, and spatial information, amino acid conservation, physicochemical variation, residue mobility, and thermodynamic stability) indicates that this missense variant is not expected to disrupt CEP83 protein function with a negative predictive value of 80%. In summary, the available evidence is currently insufficient to determine the role of this variant in disease. Therefore, it has been classified as a Variant of Uncertain Significance.